The following is an entry in ClinVar:

ClinVar aggregate classification (germline): Uncertain significance (1 of 4 stars; one submission).

Submission:

Ambry Genetics
Classification: Uncertain significance. Last evaluated: 2023-03-08. Review status: criteria provided, single submitter. Criteria: Ambry Variant Classification Scheme 2023. Collection method: clinical testing. Allele origin: germline.
Comment: The p.N611K variant (also known as c.1833C>G), located in coding exon 9 of the PALLD gene, results from a C to G substitution at nucleotide position 1833. The asparagine at codon 611 is replaced by lysine, an amino acid with similar properties. This amino acid position is conserved. In addition, this alteration is predicted to be tolerated by in silico analysis. Since supporting evidence is limited at this time, the clinical significance of this alteration remains unclear.

NM_001166108.2(PALLD):c.1833C>G (p.Asn611Lys)

Gene: PALLD (palladin, cytoskeletal associated protein; plus strand). Cytogenetic location: 4q32.3.
Variant type: single nucleotide variant.
Coding change: c.1833C>G on transcript NM_001166108.2 (MANE Select); coding-DNA position 1833, C replaced by G.
Protein change: p.Asn611Lys; replaces asparagine 611 with lysine.
Molecular consequence: missense variant.
Genome position (GRCh38, 1-based): chr4:168,711,792, C>G. VCF-style: chr4-168711792-C-G. GRCh37 (hg19) VCF-style: chr4-169632943-C-G.
Other names: c.687C>G, p.Asn229Lys (NM_001166109.2); c.1833C>G, p.Asn611Lys (NM_016081.4); short protein forms N229K, N611K.
Identifiers: ClinVar variation 2447432 (VCV002447432.2), dbSNP rs1250399091, ClinGen allele CA358798438.